The following is an entry in ClinVar:

NM_003737.4(DCHS1):c.6216C>T (p.Ser2072=)

Gene: DCHS1 (dachsous cadherin-related 1; minus strand). Cytogenetic location: 11p15.4.
Variant type: single nucleotide variant.
Coding change: c.6216C>T on transcript NM_003737.4 (MANE Select); coding-DNA position 6216, C replaced by T.
Protein change: p.Ser2072=; no amino-acid change (serine 2072 retained).
Molecular consequence: synonymous variant.
Genome position (GRCh38, 1-based): chr11:6,626,823, G>A on the plus strand (C>T on the coding strand, the complement: DCHS1 is on the minus strand). VCF-style: chr11-6626823-G-A. GRCh37 (hg19) VCF-style: chr11-6648054-G-A.
Identifiers: ClinVar variation 2145836 (VCV002145836.28), dbSNP rs370487968, ClinGen allele CA5859936.

ClinVar aggregate classification (germline): Likely benign. Review status: criteria provided, multiple submitters, no conflicts (2 of 4 stars). 2 submissions from 2 submitters: Likely benign (2). Last evaluated 2026-01-19.

Allele frequency attached by ClinVar (database versions not stated): gnomAD 0.00008; gnomAD exomes 0.00009; ExAC 0.00010; TOPMed 0.00010; ESP Exome Variant Server 0.00023.
gnomAD v4.1: 141 of 1,612,934 alleles (0.0087%); highest among the groups gnomAD compares: Non-Finnish European, 0.011%; no homozygotes.

Submissions (2):

Labcorp Genetics (formerly Invitae), Labcorp
Classification: Likely benign. Last evaluated: 2026-01-19. Review status: criteria provided, single submitter. Criteria: Invitae Variant Classification Sherloc (09022015). Collection method: clinical testing. Allele origin: germline.

CeGaT Center for Human Genetics Tuebingen
Classification: Likely benign. Last evaluated: 2025-05-01. Review status: criteria provided, single submitter. Criteria: CeGaT Center For Human Genetics Tuebingen Variant Classification Criteria Version 2. Collection method: clinical testing. Allele origin: germline. Affected: yes. Observed: 4 variant alleles.
Comment: DCHS1: BP4, BP7